The following is an entry in ClinVar:

ClinVar aggregate classification (germline): Likely pathogenic (1 of 4 stars; one submission).

Submission:

Labcorp Genetics (formerly Invitae), Labcorp
Classification: Likely pathogenic. Last evaluated: 2024-08-28. Review status: criteria provided, single submitter. Criteria: Invitae Variant Classification Sherloc (09022015). Collection method: clinical testing. Allele origin: germline.
Comment: This sequence change affects a donor splice site in intron 29 of the POLE gene. It is expected to disrupt RNA splicing. Variants that disrupt the donor or acceptor splice site typically lead to a loss of protein function (PMID: 16199547), and loss-of-function variants in POLE are known to be pathogenic (PMID: 23230001, 25948378, 30503519). This variant is not present in population databases (gnomAD no frequency). This variant has not been reported in the literature in individuals affected with POLE-related conditions. Algorithms developed to predict the effect of sequence changes on RNA splicing suggest that this variant may disrupt the consensus splice site. In summary, the currently available evidence indicates that the variant is pathogenic, but additional data are needed to prove that conclusively. Therefore, this variant has been classified as Likely Pathogenic.

Literature cited by the submitters: PubMed 16199547; PubMed 23230001; PubMed 25948378; PubMed 30503519.

NM_006231.4(POLE):c.3582+1G>A

Gene: POLE (DNA polymerase epsilon, catalytic subunit; minus strand). Cytogenetic location: 12q24.33.
Variant type: single nucleotide variant.
Coding change: c.3582+1G>A on transcript NM_006231.4 (MANE Select); the canonical splice donor site of the intron after coding-DNA position 3582, G replaced by A.
Molecular consequence: splice donor variant.
Genome position (GRCh38, 1-based): chr12:132,657,135, C>T on the plus strand (G>A on the coding strand, the complement: POLE is on the minus strand). VCF-style: chr12-132657135-C-T. GRCh37 (hg19) VCF-style: chr12-133233721-C-T.
Identifiers: ClinVar variation 3676471 (VCV003676471.2).